The following is an entry in ClinVar:

ClinVar aggregate classification (germline): Uncertain significance. Review status: criteria provided, multiple submitters, no conflicts (2 of 4 stars). 2 submissions from 2 submitters: Uncertain significance (2). Last evaluated 2026-03-19.

Conditions:
Hereditary pheochromocytoma and paraganglioma. Also called: Hereditary paragangliomas and pheochromocytomas; Hereditary Paraganglioma-Pheochromocytoma Syndromes; Hereditary pheochromocytoma-paraganglioma. Identifiers: Orphanet 29072, MedGen C4274332, MONDO:0017366.
Hereditary cancer-predisposing syndrome. Also called: Tumor predisposition; Neoplastic Syndromes, Hereditary; Hereditary neoplastic syndrome; Hereditary Cancer Syndrome. Identifiers: Orphanet 140162, MedGen C0027672, MeSH D009386, MONDO:0015356.

Allele frequency attached by ClinVar (database versions not stated): gnomAD exomes below 0.00001 and 0.00002; ExAC 0.00001.
gnomAD v4.1: 35 of 1,614,188 alleles (0.0022%); highest among the groups gnomAD compares: Non-Finnish European, 0.0029%; no homozygotes.

Submissions (2):

Ambry Genetics
Classification: Uncertain significance for Hereditary cancer-predisposing syndrome. Last evaluated: 2026-03-19. Review status: criteria provided, single submitter. Criteria: Ambry Variant Classification Scheme 2023. Collection method: clinical testing. Allele origin: germline.
Comment: The p.F34L variant (also known as c.100T>C), located in coding exon 2 of the SDHAF2 gene, results from a T to C substitution at nucleotide position 100. The phenylalanine at codon 34 is replaced by leucine, an amino acid with highly similar properties. This amino acid position is well conserved in available vertebrate species. In addition, this alteration is predicted to be tolerated by in silico analysis. Based on the available evidence, the clinical significance of this variant remains unclear.

Labcorp Genetics (formerly Invitae), Labcorp
Classification: Uncertain significance for Hereditary pheochromocytoma and paraganglioma. Last evaluated: 2025-10-23. Review status: criteria provided, single submitter. Criteria: Invitae Variant Classification Sherloc (09022015). Collection method: clinical testing. Allele origin: germline.
Comment: This sequence change replaces phenylalanine, which is neutral and non-polar, with leucine, which is neutral and non-polar, at codon 34 of the SDHAF2 protein (p.Phe34Leu). This variant is present in population databases (rs756917732, gnomAD 0.0009%). This variant has not been reported in the literature in individuals affected with SDHAF2-related conditions. ClinVar contains an entry for this variant (Variation ID: 836537). An algorithm developed to predict the effect of missense changes on protein structure and function (PolyPhen-2) suggests that this variant is likely to be tolerated. In summary, the available evidence is currently insufficient to determine the role of this variant in disease. Therefore, it has been classified as a Variant of Uncertain Significance.

NM_017841.4(SDHAF2):c.100T>C (p.Phe34Leu)

Gene: SDHAF2 (succinate dehydrogenase complex assembly factor 2; plus strand). Cytogenetic location: 11q12.2.
Variant type: single nucleotide variant.
Coding change: c.100T>C on transcript NM_017841.4 (MANE Select); coding-DNA position 100, T replaced by C.
Protein change: p.Phe34Leu; replaces phenylalanine 34 with leucine.
Molecular consequence: missense variant.
Genome position (GRCh38, 1-based): chr11:61,437,688, T>C. VCF-style: chr11-61437688-T-C. GRCh37 (hg19) VCF-style: chr11-61205160-T-C.
Other names: short protein forms F34L.
Identifiers: ClinVar variation 836537 (VCV000836537.15), dbSNP rs756917732, ClinGen allele CA057734.
Genomic context (GRCh38, chr11:61,437,688, plus strand): 5'-CTTGCTCTGTCAAGGCACAGCCTATTGTCTCCTTTGCTCAGTGTGACATCATTCAGACGC[T>C]TCTACAGAGGTGACAGCCCAACAGATTCCCAAAAGGACATGATTGAAATCCCTTTGCCTC-3'
Protein context (NP_060311.1, residues 24-44): PLLSVTSFRR[Phe34Leu]YRGDSPTDSQ